The following is an entry in ClinVar:

NM_000271.5(NPC1):c.1415T>C (p.Leu472Pro)

Gene: NPC1 (NPC intracellular cholesterol transporter 1; minus strand). Cytogenetic location: 18q11.2.
Variant type: single nucleotide variant.
Coding change: c.1415T>C on transcript NM_000271.5 (MANE Select); coding-DNA position 1415, T replaced by C.
Protein change: p.Leu472Pro; replaces leucine 472 with proline.
Molecular consequence: missense variant.
Genome position (GRCh38, 1-based): chr18:23,554,896, A>G on the plus strand (T>C on the coding strand, the complement: NPC1 is on the minus strand). VCF-style: chr18-23554896-A-G. GRCh37 (hg19) VCF-style: chr18-21134860-A-G.
Other names: short protein forms L472P.
Identifiers: ClinVar variation 1497153 (VCV001497153.8), dbSNP rs2145447843, ClinGen allele CA401775782.

ClinVar aggregate classification (germline): Likely pathogenic (1 of 4 stars; one submission).

Conditions:
Niemann-Pick disease, type C1. Also called: NIEMANN-PICK DISEASE, VARIANT TYPE C1; NEUROVISCERAL STORAGE DISEASE WITH VERTICAL SUPRANUCLEAR OPHTHALMOPLEGIA; NIEMANN-PICK DISEASE WITH CHOLESTEROL ESTERIFICATION BLOCK; NIEMANN-PICK DISEASE WITHOUT SPHINGOMYELINASE DEFICIENCY; NIEMANN-PICK DISEASE, CHRONIC NEURONOPATHIC FORM. Identifiers: Orphanet 646, MedGen C3179455, MONDO:0009757, OMIM 257220.

Submission:

Labcorp Genetics (formerly Invitae), Labcorp
Classification: Likely pathogenic for Niemann-Pick disease, type C1. Last evaluated: 2024-03-11. Review status: criteria provided, single submitter. Criteria: Invitae Variant Classification Sherloc (09022015). Collection method: clinical testing. Allele origin: germline.
Comment: This sequence change replaces leucine, which is neutral and non-polar, with proline, which is neutral and non-polar, at codon 472 of the NPC1 protein (p.Leu472Pro). This variant is not present in population databases (gnomAD no frequency). This missense change has been observed in individual(s) with Niemann-Pick Type C (PMID: 28883878, 35086560). ClinVar contains an entry for this variant (Variation ID: 1497153). Advanced modeling of protein sequence and biophysical properties (such as structural, functional, and spatial information, amino acid conservation, physicochemical variation, residue mobility, and thermodynamic stability) performed at Invitae indicates that this missense variant is expected to disrupt NPC1 protein function with a positive predictive value of 95%. Experimental studies have shown that this missense change affects NPC1 function (PMID: 32144825). This variant disrupts the p.Leu472 amino acid residue in NPC1. Other variant(s) that disrupt this residue have been observed in individuals with NPC1-related conditions (PMID: 32138288), which suggests that this may be a clinically significant amino acid residue. In summary, the currently available evidence indicates that the variant is pathogenic, but additional data are needed to prove that conclusively. Therefore, this variant has been classified as Likely Pathogenic.

Literature cited by the submitters: PubMed 28883878; PubMed 35086560; PubMed 32144825; PubMed 32138288.